The following is an entry in ClinVar:

NM_001330063.2(ANKFY1):c.3024A>C (p.Ser1008=)

Gene: ANKFY1 (ankyrin repeat and FYVE domain containing 1; minus strand). Cytogenetic location: 17p13.2.
Variant type: single nucleotide variant.
Coding change: c.3024A>C on transcript NM_001330063.2 (MANE Select); coding-DNA position 3024, A replaced by C.
Protein change: p.Ser1008=; no amino-acid change (serine 1008 retained).
Molecular consequence: synonymous variant. On other transcripts: non-coding transcript variant (1).
Genome position (GRCh38, 1-based): chr17:4,172,671, T>G on the plus strand (A>C on the coding strand, the complement: ANKFY1 is on the minus strand). VCF-style: chr17-4172671-T-G. GRCh37 (hg19) VCF-style: chr17-4075966-T-G.
Other names: c.3150A>C, p.Ser1050= (NM_001257999.3); c.3027A>C, p.Ser1009= (NM_016376.5).
Identifiers: ClinVar variation 3035702 (VCV003035702.2), dbSNP rs200094920, ClinGen allele CA8300941.

ClinVar aggregate classification (germline): Likely benign (0 of 4 stars; one submission).

Conditions:
ANKFY1-related disorder. Also called: ANKFY1-related condition.

Allele frequency attached by ClinVar (database versions not stated): ESP Exome Variant Server 0.00016; TOPMed 0.00017; gnomAD 0.00018.
gnomAD v4.1: 595 of 1,613,856 alleles (0.037%); highest among the groups gnomAD compares: Non-Finnish European, 0.049%; no homozygotes.

Submission:

PreventionGenetics, part of Exact Sciences
Classification: Likely benign for ANKFY1-related condition. Last evaluated: 2019-08-08. Review status: no assertion criteria provided. Collection method: clinical testing. Allele origin: germline.
Comment: This variant is classified as likely benign based on ACMG/AMP sequence variant interpretation guidelines (Richards et al. 2015 PMID: 25741868, with internal and published modifications).